The following continues an entry in ClinVar:

NM_002834.5(PTPN11):c.1530G>C (p.Gln510His)

Gene: PTPN11. ClinVar aggregate classification (germline): Pathogenic. Pathogenic (1). ClinVar aggregate classification (somatic clinical impact): Tier I - Strong.

Submissions 12 to 16 of 16:

Women's Health and Genetics/Laboratory Corporation of America, LabCorp
Classification: Pathogenic for Rasopathy. Last evaluated: 2018-06-25. Review status: criteria provided, single submitter. Criteria: LabCorp Variant Classification Summary - May 2015. Collection method: clinical testing. Allele origin: germline. Not counted in ClinVar's aggregate classification.
Comment: Variant summary: PTPN11 c.1530G>C (p.Gln510His) results in a non-conservative amino acid change affecting a critical amino acid located in the PTP type protein phosphatase of the encoded protein sequence. Five of five in-silico tools predict a damaging effect of the variant on protein function. The variant was absent in 30972 control chromosomes. c.1530G>C has been reported in the literature in individuals affected with Noonan Syndrome and Related Conditions. These data do not allow any conclusion about variant significance. To our knowledge, no experimental evidence demonstrating an impact on protein function has been reported. Two clinical diagnostic laboratories have submitted clinical-significance assessments for this variant to ClinVar after 2014. One was the "ClinGen RASopathy Expert Panel" which classified this variant as Pathogenic, while the other classified it as "Likely Pathogenic" without evidence for independent evaluation. Based on the evidence outlined above, the variant was classified as pathogenic.

Eurofins Ntd Llc (ga)
Classification: Likely pathogenic. Last evaluated: 2015-12-16. Review status: criteria provided, single submitter. Criteria: EGL Classification Definitions. Collection method: clinical testing. Allele origin: germline. Observed: 1 variant allele, 1 heterozygote. Not counted in ClinVar's aggregate classification.

PreventionGenetics, part of Exact Sciences
Classification: Pathogenic for PTPN11-related condition. Last evaluated: 2023-12-29. Review status: no assertion criteria provided. Collection method: clinical testing. Allele origin: germline. Not counted in ClinVar's aggregate classification.
Comment: The PTPN11 c.1530G>C variant is predicted to result in the amino acid substitution p.Gln510His. This variant has been reported in multiple individuals with Noonan syndrome with or without multiple lentigines (Table 1, Wakabayashi et al. 2011. PubMed ID: 21910226; Table 3, Chinton et al. 2019. PubMed ID: 31560489; Table S2, Kauffman et al. 2020. PubMed ID: 33318624). Moreover, this variant has been reported as having arisen de novo in an individual with Noonan syndrome with multiple lentigines (Table 1, Li et al. 2019. PubMed ID: 31263281). This variant has not been reported in a large population database, indicating this variant is rare. This variant has been classified as pathogenic by an expert panel in ClinVar. Alternate nucleotide changes affecting the same amino acid (p.Gln510Glu, p.Gln510Pro, and p.Gln510Arg) have been reported in multiple individuals with Noonan syndrome with or without multiple lentigines (Digilio et al. 2006. PubMed ID: 16733669; Keren et al. 2004. PubMed ID: 15520399; Bertola et al. 2005. PubMed ID: 15948193). In summary, the p.Gln510His variant is interpreted as pathogenic.

Joint Genome Diagnostic Labs from Nijmegen and Maastricht, Radboudumc and MUMC+
Classification: Pathogenic. Review status: no assertion criteria provided. Collection method: clinical testing. Allele origin: germline. Affected: yes. Study: VKGL Data-share Consensus. Not counted in ClinVar's aggregate classification.

Laboratory of Diagnostic Genome Analysis, Leiden University Medical Center (LUMC)
Classification: Pathogenic. Review status: no assertion criteria provided. Collection method: clinical testing. Allele origin: germline. Affected: yes. Study: VKGL Data-share Consensus. Not counted in ClinVar's aggregate classification.

Literature cited by the submitters: PubMed 21910226 (cited by 3 submitters); PubMed 31263281 (cited by Labcorp Genetics (formerly Invitae), Labcorp); PubMed 15948193 (cited by Labcorp Genetics (formerly Invitae), Labcorp and Ambry Genetics); PubMed 24775816 (cited by Labcorp Genetics (formerly Invitae), Labcorp); PubMed 22058153 (cited by Institute for Genomic Medicine (IGM) Clinical Laboratory, Nationwide Children's Hospital); PubMed 21803945 (cited by Institute for Genomic Medicine (IGM) Clinical Laboratory, Nationwide Children's Hospital); PubMed 24436047 (cited by Institute for Genomic Medicine (IGM) Clinical Laboratory, Nationwide Children's Hospital); PubMed 34166060 (cited by Institute for Genomic Medicine (IGM) Clinical Laboratory, Nationwide Children's Hospital); PubMed 26138366 (cited by Institute for Genomic Medicine (IGM) Clinical Laboratory, Nationwide Children's Hospital); PubMed 16518851 (cited by Institute for Genomic Medicine (IGM) Clinical Laboratory, Nationwide Children's Hospital); PubMed 19681119 (cited by Institute for Genomic Medicine (IGM) Clinical Laboratory, Nationwide Children's Hospital); PubMed 22142829 (cited by Institute for Genomic Medicine (IGM) Clinical Laboratory, Nationwide Children's Hospital); PubMed 15520399 (cited by Ambry Genetics); PubMed 15889278 (cited by Ambry Genetics); PubMed 16733669 (cited by Ambry Genetics); PubMed 27193571 (cited by Ambry Genetics); PubMed 31040167 (cited by Ambry Genetics); PubMed 31560489 (cited by Ambry Genetics); PubMed 33318624 (cited by Ambry Genetics).